The following is an entry in ClinVar:

NM_001244008.2(KIF1A):c.206C>T (p.Ser69Leu)

Gene: KIF1A (kinesin family member 1A; minus strand). Cytogenetic location: 2q37.3.
Variant type: single nucleotide variant.
Coding change: c.206C>T on transcript NM_001244008.2 (MANE Select); coding-DNA position 206, C replaced by T.
Protein change: p.Ser69Leu; replaces serine 69 with leucine.
Molecular consequence: missense variant.
Genome position (GRCh38, 1-based): chr2:240,788,208, G>A on the plus strand (C>T on the coding strand, the complement: KIF1A is on the minus strand). VCF-style: chr2-240788208-G-A. GRCh37 (hg19) VCF-style: chr2-241727625-G-A.
Other names: c.206C>T, p.Ser69Leu (NM_001320705.2, NM_001330289.2, NM_001330290.2 and 20 more transcripts); short protein forms S69L.
Identifiers: ClinVar variation 188057 (VCV000188057.57), dbSNP rs786200949, ClinGen allele CA346824.
Genomic context (GRCh38, chr2:240,788,208, plus strand): 5'-TATCCCTCAAAGGCATGCTGCAGCATCTCCTCGCCGATGTCCCGGTACACCTGCTTCTGC[G>A]ACGCGTAGTTGATGTCCTCAGGCTGGAGGACGAGGAAGGAATGAAGTTGCAGGAGGCTGG-3'
Protein context (NP_001230937.1, residues 59-79): HTSPEDINYA[Ser69Leu]QKQVYRDIGE

ClinVar aggregate classification (germline): Pathogenic/Likely pathogenic. Review status: criteria provided, multiple submitters, no conflicts (2 of 4 stars). 7 submissions from 7 submitters: Pathogenic (4); Likely pathogenic (1). 2 of the submissions do not count toward it. Last evaluated 2026-02-11.

Conditions:
Neuropathy, hereditary sensory, type 2C. Also called: KIF1A-Related HSAN2 (HSAN2C); Hereditary sensory and autonomic neuropathy type IIC. Identifiers: Orphanet 970, MedGen C3280168, MONDO:0013634, OMIM 614213.
Intellectual disability, autosomal dominant 9 (NESCAVS). Also called: NESCAV SYNDROME; KIF1A-Related Neurodevelopmental Disorder. Identifiers: Orphanet 662367, MedGen C5393830, MONDO:0013656, OMIM 614255.
Hereditary spastic paraplegia 30. Identifiers: Orphanet 101010, MedGen C5235139, MONDO:0012476.
Hereditary spastic paraplegia. Also called: Familial spastic paraparesis. Identifiers: Orphanet 685, MedGen C0037773, MONDO:0019064. Disease mechanism: loss of function.

Submissions (7):

GeneDx
Classification: Pathogenic. Last evaluated: 2026-02-11. Review status: criteria provided, single submitter. Criteria: GeneDx Variant Classification Process June 2021. Collection method: clinical testing. Allele origin: germline.
Comment: In silico analysis supports that this missense variant has a deleterious effect on protein structure/function; Not observed at significant frequency in large population cohorts (gnomAD); This variant is associated with the following publications: (PMID: 32816195, 32096284, 39433808, 32746806, 31805580, 26486474, 29159194, 31488895, 26410750, 32737135, 34983064, 40458237, Mahase2020[Computational], 38105687, 21376300, 21820098, 26125038, 25585697)

Labcorp Genetics (formerly Invitae), Labcorp
Classification: Pathogenic for Hereditary spastic paraplegia 30; Neuropathy, hereditary sensory, type 2C; Intellectual disability, autosomal dominant 9. Last evaluated: 2025-07-27. Review status: criteria provided, single submitter. Criteria: Invitae Variant Classification Sherloc (09022015). Collection method: clinical testing. Allele origin: germline.
Comment: This sequence change replaces serine, which is neutral and polar, with leucine, which is neutral and non-polar, at codon 69 of the KIF1A protein (p.Ser69Leu). This variant is not present in population databases (gnomAD no frequency). This missense change has been observed in individual(s) with uncomplicated hereditary spastic paraplegia (PMID: 25585697, 26410750). In at least one individual the variant was observed to be de novo. It has also been observed to segregate with disease in related individuals. ClinVar contains an entry for this variant (Variation ID: 188057). Invitae Evidence Modeling of protein sequence and biophysical properties (such as structural, functional, and spatial information, amino acid conservation, physicochemical variation, residue mobility, and thermodynamic stability) indicates that this missense variant is expected to disrupt KIF1A protein function with a positive predictive value of 95%. For these reasons, this variant has been classified as Pathogenic.

CeGaT Center for Human Genetics Tuebingen
Classification: Pathogenic. Last evaluated: 2025-01-01. Review status: criteria provided, single submitter. Criteria: CeGaT Center For Human Genetics Tuebingen Variant Classification Criteria Version 2. Collection method: clinical testing. Allele origin: germline. Affected: yes. Observed: 3 variant alleles.
Comment: KIF1A: PP1:Strong, PM1, PM2, PS4:Moderate, PM6:Supporting, PP2

SIB Swiss Institute of Bioinformatics
Classification: Likely pathogenic for Spastic paraplegia 30A, autosomal dominant. Last evaluated: 2020-06-15. Review status: criteria provided, single submitter. Criteria: ACMG Guidelines, 2015. Collection method: curation. Allele origin: unknown.
Comment: This variant is interpreted as likely pathogenic for spastic paraplegia 30, autosomal dominant. The following ACMG Tag(s) were applied: Absent from controls (or at extremely low frequency if recessive) in Exome Sequencing Project, 1000 Genomes Project, or Exome Aggregation Consortium (PM2); Prevalence in affected individuals statistically increased over controls (PS4 downgraded to moderate); Cosegregation with disease in multiple affected family members in a gene definitively known to cause the disease (PP1 moderate); Assumed de novo, but no confirmation of paternity and maternity (PM6); Missense variant in a gene that has a low rate of benign missense variation and in which missense variants are a common mechanism of disease (PP2);

Paris Brain Institute, Inserm - ICM
Classification: Pathogenic for Spastic paraplegia 30A, autosomal dominant. Review status: criteria provided, single submitter. Criteria: ACMG Guidelines, 2015. Collection method: clinical testing. Allele origin: unknown. Affected: yes. Observed: 3 variant alleles.

OMIM
Classification: Pathogenic for SPASTIC PARAPLEGIA 30A, AUTOSOMAL DOMINANT. Last evaluated: 2015-01-14. Review status: no assertion criteria provided. Collection method: literature only. Allele origin: germline. Not counted in ClinVar's aggregate classification.

Neuromuscular disorders lab, University of Helsinki
Classification: Pathogenic for Hereditary spastic paraplegia. Last evaluated: 2014-10-27. Review status: no assertion criteria provided. Collection method: research. Allele origin: inherited, de novo. Affected: yes. Not counted in ClinVar's aggregate classification.

Literature cited by the submitters: PubMed 25585697 (cited by 4 submitters); PubMed 26410750 (cited by 3 submitters); PubMed 29159194 (cited by SIB Swiss Institute of Bioinformatics and OMIM); PubMed 31488895 (cited by SIB Swiss Institute of Bioinformatics and OMIM); PubMed 32096284 (cited by SIB Swiss Institute of Bioinformatics).